The following is an entry in ClinVar:

NM_019892.6(INPP5E):c.764C>T (p.Ser255Phe)

Gene: INPP5E (inositol polyphosphate-5-phosphatase E; minus strand). Cytogenetic location: 9q34.3.
Variant type: single nucleotide variant.
Coding change: c.764C>T on transcript NM_019892.6 (MANE Select); coding-DNA position 764, C replaced by T.
Protein change: p.Ser255Phe; replaces serine 255 with phenylalanine.
Molecular consequence: missense variant.
Genome position (GRCh38, 1-based): chr9:136,438,656, G>A on the plus strand (C>T on the coding strand, the complement: INPP5E is on the minus strand). VCF-style: chr9-136438656-G-A. GRCh37 (hg19) VCF-style: chr9-139333108-G-A.
Other names: c.764C>T, p.Ser255Phe (NM_001318502.2); short protein forms S255F.
Identifiers: ClinVar variation 1481084 (VCV001481084.8), dbSNP rs368817877, ClinGen allele CA375567714.

ClinVar aggregate classification (germline): Uncertain significance (1 of 4 stars; one submission).

Conditions:
Joubert syndrome. Also called: CEREBELLOPARENCHYMAL DISORDER IV; JOUBERT-BOLTSHAUSER SYNDROME; Familial aplasia of the vermis. Identifiers: Orphanet 475, MedGen C5979921, MONDO:0018772.

Submission:

Labcorp Genetics (formerly Invitae), Labcorp
Classification: Uncertain significance for Joubert syndrome. Last evaluated: 2022-06-13. Review status: criteria provided, single submitter. Criteria: Invitae Variant Classification Sherloc (09022015). Collection method: clinical testing. Allele origin: germline.
Comment: This sequence change replaces serine, which is neutral and polar, with phenylalanine, which is neutral and non-polar, at codon 255 of the INPP5E protein (p.Ser255Phe). In summary, the available evidence is currently insufficient to determine the role of this variant in disease. Therefore, it has been classified as a Variant of Uncertain Significance. Advanced modeling of protein sequence and biophysical properties (such as structural, functional, and spatial information, amino acid conservation, physicochemical variation, residue mobility, and thermodynamic stability) performed at Invitae indicates that this missense variant is expected to disrupt INPP5E protein function. This variant has not been reported in the literature in individuals affected with INPP5E-related conditions. This variant is not present in population databases (gnomAD no frequency).